The following is an entry in ClinVar:

NM_004618.5(TOP3A):c.2317A>G (p.Asn773Asp)

Gene: TOP3A (DNA topoisomerase III alpha; minus strand). Cytogenetic location: 17p11.2.
Variant type: single nucleotide variant.
Coding change: c.2317A>G on transcript NM_004618.5 (MANE Select); coding-DNA position 2317, A replaced by G.
Protein change: p.Asn773Asp; replaces asparagine 773 with aspartic acid.
Molecular consequence: missense variant.
Genome position (GRCh38, 1-based): chr17:18,278,185, T>C on the plus strand (A>G on the coding strand, the complement: TOP3A is on the minus strand). VCF-style: chr17-18278185-T-C. GRCh37 (hg19) VCF-style: chr17-18181499-T-C.
Other names: c.2032A>G, p.Asn678Asp (NM_001320759.2); c.2317A>G (NM_004618.3); short protein forms N678D, N773D.
Identifiers: ClinVar variation 717059 (VCV000717059.14), dbSNP rs9911283, ClinGen allele CA8429619.

ClinVar aggregate classification (germline): Conflicting classifications of pathogenicity. Review status: criteria provided, conflicting classifications (1 of 4 stars). 5 submissions from 5 submitters: Uncertain significance (1); Benign (1); Likely benign (2). 1 of the submissions does not count toward it. Last evaluated 2026-01-11.

Conditions:
Microcephaly, growth restriction, and increased sister chromatid exchange 2. Identifiers: MedGen C4748176, MONDO:0020628, OMIM 618097.
Progressive external ophthalmoplegia with mitochondrial DNA deletions, autosomal recessive 5. Also called: PROGRESSIVE EXTERNAL OPHTHALMOPLEGIA, AUTOSOMAL RECESSIVE 5. Identifiers: MedGen C4748184, MONDO:0020845, OMIM 618098.
Inborn genetic diseases. Identifiers: MedGen C0950123, MeSH D030342.
TOP3A-related disorder. Also called: TOP3A-related disorders; TOP3A-related condition.

Allele frequency attached by ClinVar (database versions not stated): gnomAD exomes 0.00028 and 0.00071; 1000 Genomes Project 30x 0.00078; 1000 Genomes Project 0.00080; ExAC 0.00086; gnomAD 0.00326 and 0.00364; TOPMed 0.00373; ESP Exome Variant Server 0.00415.
gnomAD v4.1: 908 of 1,612,600 alleles (0.056%); highest among the groups gnomAD compares: African/African-American, 1.1%; 8 homozygotes.

Submissions (5):

Labcorp Genetics (formerly Invitae), Labcorp
Classification: Benign. Last evaluated: 2026-01-11. Review status: criteria provided, single submitter. Criteria: Invitae Variant Classification Sherloc (09022015). Collection method: clinical testing. Allele origin: germline.

Ambry Genetics
Classification: Uncertain significance for Inborn genetic diseases. Last evaluated: 2024-10-08. Review status: criteria provided, single submitter. Criteria: Ambry Variant Classification Scheme 2023. Collection method: clinical testing. Allele origin: germline.

Blueprint Genetics
Classification: Likely benign. Last evaluated: 2024-09-18. Review status: criteria provided, single submitter. Criteria: ACMG Guidelines, 2015. Collection method: clinical testing. Allele origin: germline.

Fulgent Genetics
Classification: Likely benign for Microcephaly, growth restriction, and increased sister chromatid exchange 2; Progressive external ophthalmoplegia with mitochondrial DNA deletions, autosomal recessive 5. Last evaluated: 2021-09-27. Review status: criteria provided, single submitter. Criteria: ACMG Guidelines, 2015. Collection method: clinical testing. Allele origin: unknown.

PreventionGenetics, part of Exact Sciences
Classification: Benign for TOP3A-related condition. Last evaluated: 2019-09-26. Review status: no assertion criteria provided. Collection method: clinical testing. Allele origin: germline. Not counted in ClinVar's aggregate classification.
Comment: This variant is classified as benign based on ACMG/AMP sequence variant interpretation guidelines (Richards et al. 2015 PMID: 25741868, with internal and published modifications).